The following is an entry in ClinVar:

ClinVar aggregate classification (germline): Pathogenic (1 of 4 stars; one submission).

Conditions:
Propionic acidemia (PROP). Also called: GLYCINEMIA, KETOTIC; HYPERGLYCINEMIA WITH KETOACIDOSIS AND LEUKOPENIA; KETOTIC HYPERGLYCINEMIA. Identifiers: Orphanet 35, MedGen C0268579, MONDO:0011628, OMIM 606054, HP:0003571.

Submission:

Women's Health and Genetics/Laboratory Corporation of America, LabCorp
Classification: Pathogenic for Propionic acidemia. Last evaluated: 2025-11-12. Review status: criteria provided, single submitter. Criteria: LabCorp Variant Classification Summary - May 2015. Collection method: clinical testing. Allele origin: germline.
Comment: Variant summary: The variant involves the deletion of exons 3-4 in the PCCA gene. A presumed nomenclature of c.(183+1_184-1)_(300+1_301-1)del has been designated for the purposes of this classification. This Copy Number Variant (CNV) is predicted to result in an in-frame deletion within this gene. Loss-of-function variants in this gene are known to be pathogenic. A similar deletion variant was found at a frequency of 8.3e-06 in 120780 control chromosomes in the gnomAD database (Structural Variants v4.1 dataset). The deletion of exons 3-4 in the PCCA gene has been observed in several homozygous, and compound heterozygous individuals affected with Propionic Acidemia (e.g. Desviat_2009, Kraus_2012). These data indicate that the variant is very likely to be associated with disease. One of these publications also reported experimental evidence evaluating an impact on protein function, and demonstrated a total absence of residual activity (Desviat_2009). ClinVar contains an entry for this variant (Variation ID: 3244148). Based on the evidence outlined above, the variant was classified as pathogenic.

Literature cited by the submitters: PubMed 22033733; PubMed 19157943.

NC_000013.10:g.(100755215_100764094)_(100764316_100807232)del

Gene: PCCA (propionyl-CoA carboxylase subunit alpha; plus strand). Cytogenetic location: 13q32.3.
Variant type: Deletion.
Identifiers: ClinVar variation 4536786 (VCV004536786.1).